The following is an entry in ClinVar:

ClinVar aggregate classification (germline): Uncertain significance (1 of 4 stars; one submission).

Conditions:
Neuronal ceroid lipofuscinosis 7 (CLN7). Also called: MFSD8-Related Neuronal Ceroid-Lipofuscinosis. Identifiers: Orphanet 168491, Orphanet 228366, MedGen C1838571, MONDO:0012588, OMIM 610951.

Allele frequency attached by ClinVar (database versions not stated): gnomAD exomes below 0.00001; ExAC 0.00001.
gnomAD v4.1: 1 of 1,614,000 alleles (0.000062%); highest among the groups gnomAD compares: Non-Finnish European, 0.000085%; no homozygotes.

Submission:

Labcorp Genetics (formerly Invitae), Labcorp
Classification: Uncertain significance for Neuronal ceroid lipofuscinosis 7. Last evaluated: 2021-08-16. Review status: criteria provided, single submitter. Criteria: Invitae Variant Classification Sherloc (09022015). Collection method: clinical testing. Allele origin: germline.
Comment: Algorithms developed to predict the effect of missense changes on protein structure and function (SIFT, PolyPhen-2, Align-GVGD) all suggest that this variant is likely to be disruptive. This variant has not been reported in the literature in individuals affected with MFSD8-related conditions. This variant is present in population databases (rs745541140, ExAC 0.001%). This sequence change replaces arginine with glycine at codon 512 of the MFSD8 protein (p.Arg512Gly). The arginine residue is highly conserved and there is a moderate physicochemical difference between arginine and glycine. Algorithms developed to predict the effect of sequence changes on RNA splicing suggest that this variant may create or strengthen a splice site. In summary, the available evidence is currently insufficient to determine the role of this variant in disease. Therefore, it has been classified as a Variant of Uncertain Significance.

NM_001371596.2(MFSD8):c.1534A>G (p.Arg512Gly)

Gene: MFSD8 (major facilitator superfamily domain containing 8; minus strand). Cytogenetic location: 4q28.2.
Variant type: single nucleotide variant.
Coding change: c.1534A>G on transcript NM_001371596.2 (MANE Select); coding-DNA position 1534, A replaced by G.
Protein change: p.Arg512Gly; replaces arginine 512 with glycine.
Molecular consequence: missense variant.
Genome position (GRCh38, 1-based): chr4:127,920,653, T>C on the plus strand (A>G on the coding strand, the complement: MFSD8 is on the minus strand). VCF-style: chr4-127920653-T-C. GRCh37 (hg19) VCF-style: chr4-128841808-T-C.
Other names: c.1333A>G, p.Arg445Gly (NM_001363520.3); c.1219A>G, p.Arg407Gly (NM_001363521.3); c.1399A>G, p.Arg467Gly (NM_001371590.2); c.1543A>G, p.Arg515Gly (NM_001371591.2); c.1540A>G, p.Arg514Gly (NM_001371592.2); c.1420A>G, p.Arg474Gly (NM_001371593.2); c.1387A>G, p.Arg463Gly (NM_001371594.2); c.1252A>G, p.Arg418Gly (NM_001371595.1); and 3 more; short protein forms R445G, R463G, R514G, R407G, R418G, R474G, R512G, R515G.
Identifiers: ClinVar variation 1481600 (VCV001481600.7), dbSNP rs745541140, ClinGen allele CA3077211.